The following is an entry in ClinVar:

ClinVar aggregate classification (germline): Pathogenic (1 of 4 stars; one submission).

Conditions:
Complement component C1s deficiency. Also called: C1s deficiency; Complement 1s deficiency. Identifiers: MedGen C3151078, MONDO:0013419, OMIM 613783.

Submission:

Carola Vinuesa Lab, John Curtin School of Medical Research
Classification: Pathogenic for Complement component C1s deficiency. Review status: criteria provided, single submitter. Criteria: ACMG Guidelines, 2015. Collection method: research. Allele origin: de novo. Inheritance: Autosomal dominant inheritance. Affected: yes. Observed: 1 variant allele, 1 heterozygote.
Comment: Null variant: frame-shift, truncating mutation in a gene where loss of function is a known mechanism of disease, de novo mutation in a patient with no family history, paternity and maternity confirmed through analysis of rare variants and Mendelian conflicts in WES data, novel variant absent from controls, patient's phenotype consistent with Kabuki syndrome (the patient also has SLE). Meets ACMG criteria for pathogenicity.

NM_003482.4(KMT2D):c.8626del (p.Gln2876fs)

Gene: KMT2D (lysine methyltransferase 2D; minus strand). Cytogenetic location: 12q13.12.
Variant type: Deletion.
Coding change: c.8626del on transcript NM_003482.4 (MANE Select); coding-DNA position 8626, one base deleted (C; older notation c.8626delC).
Protein change: p.Gln2876fs; shifts the reading frame from glutamine 2876.
Molecular consequence: frameshift variant.
Genome position (GRCh38, 1-based): chr12:49,038,730, G deleted on the plus strand (C on the coding strand, the reverse complement: KMT2D is on the minus strand); the first of 3 consecutive G bases (chr12:49,038,730-49,038,732); deleting any one gives the same sequence. VCF-style (leftmost placement, unchanged base first): chr12-49038729-TG-T. GRCh37 (hg19) VCF-style: chr12-49432512-TG-T.
Other names: c.8626delC (NM_003482.3); short protein forms Q2876fs.
Identifiers: ClinVar variation 549852 (VCV000549852.4), dbSNP rs1565789104, ClinGen allele CA913190448.